The following is an entry in ClinVar:

ClinVar aggregate classification (germline): Uncertain significance (1 of 4 stars; one submission).

Conditions:
Inborn genetic diseases. Identifiers: MedGen C0950123, MeSH D030342.

Submission:

Ambry Genetics
Classification: Uncertain significance for Inborn genetic diseases. Last evaluated: 2026-01-10. Review status: criteria provided, single submitter. Criteria: Ambry Variant Classification Scheme 2023. Collection method: clinical testing. Allele origin: germline.
Comment: The p.P261A variant (also known as c.781C>G), located in coding exon 1 of the CEBPA gene, results from a C to G substitution at nucleotide position 781. The proline at codon 261 is replaced by alanine, an amino acid with highly similar properties. This amino acid position is conserved. In addition, this alteration is predicted to be tolerated by in silico analysis. Based on the available evidence, the clinical significance of this variant remains unclear.

NM_004364.5(CEBPA):c.781C>G (p.Pro261Ala)

Gene: CEBPA (CCAAT enhancer binding protein alpha; minus strand). Cytogenetic location: 19q13.11.
Variant type: single nucleotide variant.
Coding change: c.781C>G on transcript NM_004364.5 (MANE Select); coding-DNA position 781, C replaced by G.
Protein change: p.Pro261Ala; replaces proline 261 with alanine.
Molecular consequence: missense variant.
Genome position (GRCh38, 1-based): chr19:33,301,634, G>C on the plus strand (C>G on the coding strand, the complement: CEBPA is on the minus strand). VCF-style: chr19-33301634-G-C. GRCh37 (hg19) VCF-style: chr19-33792540-G-C.
Other names: c.424C>G, p.Pro142Ala (NM_001285829.2); c.886C>G, p.Pro296Ala (NM_001287424.2); c.739C>G, p.Pro247Ala (NM_001287435.2); short protein forms P247A, P296A, P142A, P261A.
Identifiers: ClinVar variation 4843300 (VCV004843300.1).